The following is an entry in ClinVar:

ClinVar aggregate classification (germline): Uncertain significance. Review status: criteria provided, multiple submitters, no conflicts (2 of 4 stars). 2 submissions from 2 submitters: Uncertain significance (2). Last evaluated 2023-06-29.

Conditions:
Spastic paraplegia. Identifiers: MedGen C0037772, HP:0001258.
Inborn genetic diseases. Identifiers: MedGen C0950123, MeSH D030342.

Allele frequency attached by ClinVar (database versions not stated): gnomAD 0.00001; gnomAD exomes 0.00001; TOPMed 0.00002; ExAC 0.00006.
gnomAD v4.1: 22 of 1,614,026 alleles (0.0014%); highest among the groups gnomAD compares: South Asian, 0.0077%; no homozygotes.

Submissions (2):

Ambry Genetics
Classification: Uncertain significance for Inborn genetic diseases. Last evaluated: 2023-06-29. Review status: criteria provided, single submitter. Criteria: Ambry Variant Classification Scheme 2023. Collection method: clinical testing. Allele origin: germline.

Labcorp Genetics (formerly Invitae), Labcorp
Classification: Uncertain significance for Spastic paraplegia. Last evaluated: 2022-02-12. Review status: criteria provided, single submitter. Criteria: Invitae Variant Classification Sherloc (09022015). Collection method: clinical testing. Allele origin: germline.
Comment: This sequence change replaces arginine, which is basic and polar, with glutamine, which is neutral and polar, at codon 768 of the ZFYVE26 protein (p.Arg768Gln). This variant is present in population databases (rs776831906, gnomAD 0.02%). This variant has not been reported in the literature in individuals affected with ZFYVE26-related conditions. Algorithms developed to predict the effect of missense changes on protein structure and function output the following: SIFT: "Deleterious"; PolyPhen-2: "Benign"; Align-GVGD: "Class C0". The glutamine amino acid residue is found in multiple mammalian species, which suggests that this missense change does not adversely affect protein function. Algorithms developed to predict the effect of sequence changes on RNA splicing suggest that this variant may create or strengthen a splice site. In summary, the available evidence is currently insufficient to determine the role of this variant in disease. Therefore, it has been classified as a Variant of Uncertain Significance.

NM_015346.4(ZFYVE26):c.2303G>A (p.Arg768Gln)

Gene: ZFYVE26 (zinc finger FYVE-type containing 26; minus strand). Cytogenetic location: 14q24.1.
Variant type: single nucleotide variant.
Coding change: c.2303G>A on transcript NM_015346.4 (MANE Select); coding-DNA position 2303, G replaced by A.
Protein change: p.Arg768Gln; replaces arginine 768 with glutamine.
Molecular consequence: missense variant.
Genome position (GRCh38, 1-based): chr14:67,797,701, C>T on the plus strand (G>A on the coding strand, the complement: ZFYVE26 is on the minus strand). VCF-style: chr14-67797701-C-T. GRCh37 (hg19) VCF-style: chr14-68264418-C-T.
Other names: c.2303G>A (NM_015346.3); short protein forms R768Q.
Identifiers: ClinVar variation 2018992 (VCV002018992.3), dbSNP rs776831906, ClinGen allele CA7240344.